The following is an entry in ClinVar:

ClinVar aggregate classification (germline): Uncertain significance (1 of 4 stars; one submission).

Submission:

GeneDx
Classification: Uncertain significance. Last evaluated: 2025-06-11. Review status: criteria provided, single submitter. Criteria: GeneDx Variant Classification Process June 2021. Collection method: clinical testing. Allele origin: germline. Affected: yes.
Comment: Not observed at significant frequency in large population cohorts (gnomAD); In silico analysis supports that this missense variant has a deleterious effect on protein structure/function; Has not been previously published as pathogenic or benign to our knowledge

NM_000836.4(GRIN2D):c.1767G>C (p.Met589Ile)

Gene: GRIN2D (glutamate ionotropic receptor NMDA type subunit 2D; plus strand). Cytogenetic location: 19q13.33.
Variant type: single nucleotide variant.
Coding change: c.1767G>C on transcript NM_000836.4 (MANE Select); coding-DNA position 1767, G replaced by C.
Protein change: p.Met589Ile; replaces methionine 589 with isoleucine.
Molecular consequence: missense variant.
Genome position (GRCh38, 1-based): chr19:48,419,265, G>C. VCF-style: chr19-48419265-G-C. GRCh37 (hg19) VCF-style: chr19-48922522-G-C.
Other names: short protein forms M589I.
Identifiers: ClinVar variation 4537621 (VCV004537621.1).
Genomic context (GRCh38, chr19:48,419,265, plus strand): 5'-GCCATAACCACGCACTCCCTTGTCCCCAGAGCCCTACAGCCCCGCCGTGTGGGTGATGAT[G>C]TTCGTCATGTGCCTCACTGTGGTCGCCGTCACTGTTTTCATCTTCGAGTACCTCAGTCCT-3'
Protein context (NP_000827.2, residues 579-599): EPYSPAVWVM[Met589Ile]FVMCLTVVAV